The following is an entry in ClinVar:

NM_033380.3(COL4A5):c.439-1G>A

Gene: COL4A5 (collagen type IV alpha 5 chain; plus strand). Cytogenetic location: Xq22.3.
Variant type: single nucleotide variant.
Coding change: c.439-1G>A on transcript NM_033380.3 (MANE Select); the canonical splice acceptor site of the intron before coding-DNA position 439, G replaced by A.
Molecular consequence: splice acceptor variant.
Genome position (GRCh38, 1-based): chrX:108,571,810, G>A. VCF-style: chrX-108571810-G-A. GRCh37 (hg19) VCF-style: chrX-107815040-G-A.
Other names: NC_000023.10:g.107815040G>A; c.439-1G>A (NM_000495.5).
Identifiers: ClinVar variation 1077037 (VCV001077037.3), dbSNP rs2147754967, ClinGen allele CA413920305.

ClinVar aggregate classification (germline): Pathogenic/Likely pathogenic. Review status: criteria provided, multiple submitters, no conflicts (2 of 4 stars). 2 submissions from 2 submitters: Pathogenic (1); Likely pathogenic (1). Last evaluated 2026-02-25.

Conditions:
Hematuria. Identifiers: MedGen C0018965, HP:0000790.
X-linked Alport syndrome (ATS1). Also called: COL4A5-Related Nephropathy; NEPHROPATHY AND DEAFNESS, X-LINKED. Identifiers: Orphanet 63, Orphanet 88917, MedGen C4746986, MONDO:0010520, OMIM 301050.

Submissions (3):

Genetics Laboratory, Great Ormond Street Hospital NHS Foundation Trust, North Thames Genomic Laboratory Hub
Classification: Likely pathogenic for Haematuria. Last evaluated: 2026-02-25. Review status: criteria provided, single submitter. Criteria: ACGS Best Practice Guidelines for Variant Classification in Rare Disease 2024 v1.2. Collection method: clinical testing. Allele origin: germline. Affected: yes.
Comment: PS4_moderate, PM2_moderate, PVS1_strong

Precision Medicine Center, Zhengzhou University
Classification: Pathogenic for X-linked Alport syndrome. Review status: criteria provided, single submitter. Criteria: ACMG Guidelines, 2015. Collection method: research. Allele origin: germline. Affected: yes.
Comment: PVS1:Null variant in the gene with established LOF as a disease mechanism PM2:not found in gnomAD PP3:Multiple lines of computational evidence support a deleterious effect on the gene or gene product

Dr. Peter K. Rogan Lab, Western University
No classification provided (evidence only). Condition: Nonpapillary renal cell carcinoma. Review status: no classification provided. Collection method: in vitro. Allele origin: not applicable. Functional consequence: retained intron. Not counted in ClinVar's aggregate classification.